The following is an entry in ClinVar:

ClinVar aggregate classification (germline): Uncertain significance (1 of 4 stars; one submission).

Conditions:
Ehlers-Danlos syndrome, spondylodysplastic type, 3. Also called: Ehlers-Danlos syndrome, spondylocheirodysplastic type. Identifiers: Orphanet 157965, MedGen C2676510, MONDO:0012873, OMIM 612350.

Allele frequency attached by ClinVar (database versions not stated): TOPMed below 0.00001; gnomAD exomes below 0.00001.

Submission:

Labcorp Genetics (formerly Invitae), Labcorp
Classification: Uncertain significance for Ehlers-Danlos syndrome, spondylodysplastic type, 3. Last evaluated: 2021-06-05. Review status: criteria provided, single submitter. Criteria: Invitae Variant Classification Sherloc (09022015). Collection method: clinical testing. Allele origin: germline.
Comment: This sequence change falls in intron 7 of the SLC39A13 gene. It does not directly change the encoded amino acid sequence of the SLC39A13 protein. It affects a nucleotide within the consensus splice site of the intron. This variant is not present in population databases (ExAC no frequency). Nucleotide substitutions within the consensus splice site are a relatively common cause of aberrant splicing (PMID: 17576681, 9536098). Algorithms developed to predict the effect of sequence changes on RNA splicing suggest that this variant may disrupt the consensus splice site, but this prediction has not been confirmed by published transcriptional studies. This variant has not been reported in the literature in individuals with SLC39A13-related conditions. In summary, the available evidence is currently insufficient to determine the role of this variant in disease. Therefore, it has been classified as a Variant of Uncertain Significance.

Literature cited by the submitters: PubMed 17576681; PubMed 9536098.

NM_001128225.3(SLC39A13):c.786+5G>A

Gene: SLC39A13 (solute carrier family 39 member 13; plus strand). Cytogenetic location: 11p11.2.
Variant type: single nucleotide variant.
Coding change: c.786+5G>A on transcript NM_001128225.3 (MANE Select); 5 bases into the intron after coding-DNA position 786, G replaced by A.
Molecular consequence: intron variant.
Genome position (GRCh38, 1-based): chr11:47,414,480, G>A. VCF-style: chr11-47414480-G-A. GRCh37 (hg19) VCF-style: chr11-47436031-G-A.
Other names: c.786+5G>A (NM_152264.5, NM_001330245.2).
Identifiers: ClinVar variation 1498059 (VCV001498059.6), dbSNP rs1331180727, ClinGen allele CA599070837.